The following is an entry in ClinVar:

ClinVar aggregate classification (germline): Uncertain significance (1 of 4 stars; one submission).

Conditions:
Inborn genetic diseases. Identifiers: MedGen C0950123, MeSH D030342.

Submission:

Ambry Genetics
Classification: Uncertain significance for Inborn genetic diseases. Last evaluated: 2025-07-06. Review status: criteria provided, single submitter. Criteria: Ambry Variant Classification Scheme 2023. Collection method: clinical testing. Allele origin: germline.
Comment: The p.R401S variant (also known as c.1203A>C), located in coding exon 10 of the ANKRD26 gene, results from an A to C substitution at nucleotide position 1203. The arginine at codon 401 is replaced by serine, an amino acid with dissimilar properties. This amino acid position is conserved. In addition, this alteration is predicted to be tolerated by in silico analysis. Based on the available evidence, the clinical significance of this variant remains unclear.

NM_014915.3(ANKRD26):c.1203A>C (p.Arg401Ser)

Gene: ANKRD26 (ankyrin repeat domain containing 26; minus strand). Cytogenetic location: 10p12.1.
Variant type: single nucleotide variant.
Coding change: c.1203A>C on transcript NM_014915.3 (MANE Select); coding-DNA position 1203, A replaced by C.
Protein change: p.Arg401Ser; replaces arginine 401 with serine.
Molecular consequence: missense variant.
Genome position (GRCh38, 1-based): chr10:27,067,161, T>G on the plus strand (A>C on the coding strand, the complement: ANKRD26 is on the minus strand). VCF-style: chr10-27067161-T-G. GRCh37 (hg19) VCF-style: chr10-27356090-T-G.
Other names: c.1203A>C, p.Arg401Ser (NM_001256053.2); short protein forms R401S.
Identifiers: ClinVar variation 4103315 (VCV004103315.1).